The following is an entry in ClinVar:

ClinVar aggregate classification (germline): Uncertain significance (1 of 4 stars; one submission).

Conditions:
Neurodevelopmental disorder with microcephaly, hypotonia, and variable brain anomalies (NMIHBA). Identifiers: Orphanet 544469, MedGen C4479566, MONDO:0060490, OMIM 617481.

Allele frequency attached by ClinVar (database versions not stated): TOPMed 0.00001; ExAC 0.00001; gnomAD 0.00001; gnomAD exomes 0.00001.
gnomAD v4.1: 14 of 1,612,526 alleles (0.00087%); highest among the groups gnomAD compares: Non-Finnish European, 0.0011%; no homozygotes.

Submission:

Baylor Genetics
Classification: Uncertain significance for Neurodevelopmental disorder with microcephaly, hypotonia, and variable brain anomalies. Last evaluated: 2018-01-10. Review status: criteria provided, single submitter. Criteria: ACMG Guidelines, 2015. Collection method: clinical testing. Allele origin: unknown. Affected: yes.
Comment: This variant was determined to be of uncertain significance according to ACMG Guidelines, 2015 [PMID:25741868].

NM_021222.3(PRUNE1):c.506C>T (p.Ala169Val)

Gene: PRUNE1 (prune exopolyphosphatase 1; plus strand). Cytogenetic location: 1q21.3.
Variant type: single nucleotide variant.
Coding change: c.506C>T on transcript NM_021222.3 (MANE Select); coding-DNA position 506, C replaced by T.
Protein change: p.Ala169Val; replaces alanine 169 with valine.
Molecular consequence: missense variant. On other transcripts: intron variant (1), 5 prime UTR variant (1).
Genome position (GRCh38, 1-based): chr1:151,024,781, C>T. VCF-style: chr1-151024781-C-T. GRCh37 (hg19) VCF-style: chr1-150997257-C-T.
Other names: c.77-2452C>T (NM_001303243.2); c.-41C>T (NM_001303229.2); c.506C>T, p.Ala169Val (NM_001303242.2); short protein forms A169V.
Identifiers: ClinVar variation 1032877 (VCV001032877.1), dbSNP rs769528628, ClinGen allele CA1083797.